The following is an entry in ClinVar:

ClinVar aggregate classification (germline): Uncertain significance. Review status: criteria provided, multiple submitters, no conflicts (2 of 4 stars). 2 submissions from 2 submitters: Uncertain significance (2). Last evaluated 2025-05-05.

Conditions:
Inborn genetic diseases. Identifiers: MedGen C0950123, MeSH D030342.

Allele frequency attached by ClinVar (database versions not stated): gnomAD exomes 0.00001; TOPMed 0.00003.
gnomAD v4.1: 18 of 1,613,034 alleles (0.0011%); highest among the groups gnomAD compares: Admixed American, 0.0033%; no homozygotes.

Submissions (2):

Labcorp Genetics (formerly Invitae), Labcorp
Classification: Uncertain significance. Last evaluated: 2025-05-05. Review status: criteria provided, single submitter. Criteria: Invitae Variant Classification Sherloc (09022015). Collection method: clinical testing. Allele origin: germline.
Comment: This sequence change replaces alanine, which is neutral and non-polar, with glycine, which is neutral and non-polar, at codon 54 of the TFAP2B protein (p.Ala54Gly). This variant is present in population databases (no rsID available, gnomAD 0.006%). This variant has not been reported in the literature in individuals affected with TFAP2B-related conditions. ClinVar contains an entry for this variant (Variation ID: 1418292). Invitae Evidence Modeling of protein sequence and biophysical properties (such as structural, functional, and spatial information, amino acid conservation, physicochemical variation, residue mobility, and thermodynamic stability) indicates that this missense variant is not expected to disrupt TFAP2B protein function with a negative predictive value of 80%. In summary, the available evidence is currently insufficient to determine the role of this variant in disease. Therefore, it has been classified as a Variant of Uncertain Significance.

Ambry Genetics
Classification: Uncertain significance for Inborn genetic diseases. Last evaluated: 2023-08-22. Review status: criteria provided, single submitter. Criteria: Ambry Variant Classification Scheme 2023. Collection method: clinical testing. Allele origin: germline.

NM_003221.4(TFAP2B):c.161C>G (p.Ala54Gly)

Gene: TFAP2B (transcription factor AP-2 beta; plus strand). Cytogenetic location: 6p12.3.
Variant type: single nucleotide variant.
Coding change: c.161C>G on transcript NM_003221.4 (MANE Select); coding-DNA position 161, C replaced by G.
Protein change: p.Ala54Gly; replaces alanine 54 with glycine.
Molecular consequence: missense variant.
Genome position (GRCh38, 1-based): chr6:50,823,486, C>G. VCF-style: chr6-50823486-C-G. GRCh37 (hg19) VCF-style: chr6-50791199-C-G.
Other names: c.161C>G (NM_003221.3); short protein forms A54G.
Identifiers: ClinVar variation 1418292 (VCV001418292.7), dbSNP rs375917495, ClinGen allele CA138861058.